The following is an entry in ClinVar:

NM_000020.3(ACVRL1):c.1036A>T (p.Ile346Phe)

Gene: ACVRL1 (activin A receptor like type 1; plus strand). Cytogenetic location: 12q13.13.
Variant type: single nucleotide variant.
Coding change: c.1036A>T on transcript NM_000020.3 (MANE Select); coding-DNA position 1036, A replaced by T.
Protein change: p.Ile346Phe; replaces isoleucine 346 with phenylalanine.
Molecular consequence: missense variant.
Genome position (GRCh38, 1-based): chr12:51,915,488, A>T. VCF-style: chr12-51915488-A-T. GRCh37 (hg19) VCF-style: chr12-52309272-A-T.
Other names: c.1036A>T, p.Ile346Phe (NM_001077401.2, NM_001406487.1, NM_001406488.1 and 1 more transcripts); c.724A>T, p.Ile242Phe (NM_001406490.1, NM_001406491.1, NM_001406492.1 and 2 more transcripts); c.472A>T, p.Ile158Phe (NM_001406495.1); short protein forms I346F, I158F, I242F.
Identifiers: ClinVar variation 1772644 (VCV001772644.7), dbSNP rs2540164977, ClinGen allele CA384901776.

ClinVar aggregate classification (germline): Uncertain significance. Review status: criteria provided, multiple submitters, no conflicts (2 of 4 stars). 4 submissions from 4 submitters: Uncertain significance (4). Last evaluated 2026-01-25.

Conditions:
Cardiovascular phenotype. Identifiers: MedGen CN230736.
Telangiectasia, hereditary hemorrhagic, type 2 (HHT2). Also called: ACVRL1-Related Hereditary Hemorrhagic Telangiectasia; Telangiectasia, hereditary hemorrhagic, type II. Identifiers: Orphanet 774, MedGen C1838163, MONDO:0010880, OMIM 600376. Disease mechanism: loss of function.

Submissions (4):

Labcorp Genetics (formerly Invitae), Labcorp
Classification: Uncertain significance for Telangiectasia, hereditary hemorrhagic, type 2. Last evaluated: 2026-01-25. Review status: criteria provided, single submitter. Criteria: Invitae Variant Classification Sherloc (09022015). Collection method: clinical testing. Allele origin: germline.
Comment: This sequence change replaces isoleucine, which is neutral and non-polar, with phenylalanine, which is neutral and non-polar, at codon 346 of the ACVRL1 protein (p.Ile346Phe). This variant is not present in population databases (gnomAD no frequency). This missense change has been observed in individual(s) with hereditary hemorrhagic telangiectasia (internal data). ClinVar contains an entry for this variant (Variation ID: 1772644). Invitae Evidence Modeling of protein sequence and biophysical properties (such as structural, functional, and spatial information, amino acid conservation, physicochemical variation, residue mobility, and thermodynamic stability) indicates that this missense variant is expected to disrupt ACVRL1 protein function with a positive predictive value of 95%. In summary, the available evidence is currently insufficient to determine the role of this variant in disease. Therefore, it has been classified as a Variant of Uncertain Significance.

Blueprint Genetics
Classification: Uncertain significance. Last evaluated: 2022-09-06. Review status: criteria provided, single submitter. Criteria: ACMG Guidelines, 2015. Collection method: clinical testing. Allele origin: germline.

Ambry Genetics
Classification: Uncertain significance for Cardiovascular phenotype. Last evaluated: 2021-06-30. Review status: criteria provided, single submitter. Criteria: Ambry Variant Classification Scheme 2023. Collection method: clinical testing. Allele origin: germline.
Comment: The p.I346F variant (also known as c.1036A>T), located in coding exon 6 of the ACVRL1 gene, results from an A to T substitution at nucleotide position 1036. The isoleucine at codon 346 is replaced by phenylalanine, an amino acid with highly similar properties. This amino acid position is conserved. In addition, this alteration is predicted to be deleterious by in silico analysis. Since supporting evidence is limited at this time, the clinical significance of this alteration remains unclear.

Revvity Omics, Revvity
Classification: Uncertain significance for Telangiectasia, hereditary hemorrhagic, type 2. Last evaluated: 2019-12-24. Review status: criteria provided, single submitter. Criteria: ACMG Guidelines, 2015. Collection method: clinical testing. Allele origin: germline.